The following is an entry in ClinVar:

ClinVar aggregate classification (germline): Uncertain significance. Review status: criteria provided, multiple submitters, no conflicts (2 of 4 stars). 3 submissions from 3 submitters: Uncertain significance (3). Last evaluated 2024-10-12.

Conditions:
Epidermolysis bullosa simplex 5B, with muscular dystrophy (EBS5B). Also called: EPIDERMOLYSIS BULLOSA SIMPLEX AND LIMB-GIRDLE MUSCULAR DYSTROPHY; Epidermolysis bullosa simplex with muscular dystrophy. Identifiers: Orphanet 257, MedGen C2931072, MONDO:0009181, OMIM 226670.
Epidermolysis bullosa simplex with nail dystrophy (EBS5D). Identifiers: MedGen C4225309, MONDO:0014661, OMIM 616487.
Epidermolysis bullosa simplex, Ogna type (EBS5A). Also called: Pidermolysis bullosa simplex 5A, Ogna type; EPIDERMOLYSIS BULLOSA SIMPLEX 5A, OGNA TYPE. Identifiers: Orphanet 79401, MedGen C0432317, MONDO:0007555, OMIM 131950.
Epidermolysis bullosa simplex 5C, with pyloric atresia (EBS5C). Also called: PLEC-Related Epidermolysis Bullosa with Pyloric Atresia; Epidermolysis bullosa simplex with pyloric atresia; PLEC1-Related Epidermolysis Bullosa with Pyloric Atresia. Identifiers: Orphanet 158684, MedGen C2677349, MONDO:0012807, OMIM 612138.
Autosomal recessive limb-girdle muscular dystrophy type 2Q (LGMDR17). Also called: MUSCULAR DYSTROPHY, LIMB-GIRDLE, AUTOSOMAL RECESSIVE 17. Identifiers: Orphanet 254361, MedGen C3150989, MONDO:0013390, OMIM 613723.

Allele frequency attached by ClinVar (database versions not stated): gnomAD exomes 0.00001; ExAC 0.00003; TOPMed 0.00003.
gnomAD v4.1: 11 of 1,613,094 alleles (0.00068%); highest among the groups gnomAD compares: African/African-American, 0.0027%; no homozygotes.

Submissions (3):

Labcorp Genetics (formerly Invitae), Labcorp
Classification: Uncertain significance for Autosomal recessive limb-girdle muscular dystrophy type 2Q; Epidermolysis bullosa simplex, Ogna type; Epidermolysis bullosa simplex with nail dystrophy; Epidermolysis bullosa simplex 5C, with pyloric atresia; Epidermolysis bullosa simplex 5B, with muscular dystrophy. Last evaluated: 2024-10-12. Review status: criteria provided, single submitter. Criteria: Invitae Variant Classification Sherloc (09022015). Collection method: clinical testing. Allele origin: germline.
Comment: This sequence change replaces glycine, which is neutral and non-polar, with serine, which is neutral and polar, at codon 3334 of the PLEC protein (p.Gly3334Ser). This variant is present in population databases (rs782021653, gnomAD 0.002%). This variant has not been reported in the literature in individuals affected with PLEC-related conditions. ClinVar contains an entry for this variant (Variation ID: 1525792). An algorithm developed to predict the effect of missense changes on protein structure and function (PolyPhen-2) suggests that this variant is likely to be disruptive. In summary, the available evidence is currently insufficient to determine the role of this variant in disease. Therefore, it has been classified as a Variant of Uncertain Significance.

Revvity Omics, Revvity
Classification: Uncertain significance. Last evaluated: 2024-08-30. Review status: criteria provided, single submitter. Criteria: ACMG Guidelines, 2015. Collection method: clinical testing. Allele origin: germline.

Athena Diagnostics
Classification: Uncertain significance. Last evaluated: 2023-03-17. Review status: criteria provided, single submitter. Criteria: Athena Diagnostics Criteria. Collection method: clinical testing. Allele origin: unknown.
Comment: Available data are insufficient to determine the clinical significance of the variant at this time. The frequency of this variant in the general population is uninformative in assessment of its pathogenicity. Computational tools disagree on the variant's effect on normal protein function.

Literature cited by the submitters: PubMed 30161220 (cited by Athena Diagnostics).

NM_201384.3(PLEC):c.9919G>A (p.Gly3307Ser)

Gene: PLEC (plectin; minus strand). Cytogenetic location: 8q24.3.
Variant type: single nucleotide variant.
Coding change: c.9919G>A on transcript NM_201384.3 (MANE Select); coding-DNA position 9919, G replaced by A.
Protein change: p.Gly3307Ser; replaces glycine 3307 with serine.
Molecular consequence: missense variant.
Genome position (GRCh38, 1-based): chr8:143,919,902, C>T on the plus strand (G>A on the coding strand, the complement: PLEC is on the minus strand). VCF-style: chr8-143919902-C-T. GRCh37 (hg19) VCF-style: chr8-144994070-C-T.
Other names: c.10000G>A, p.Gly3334Ser (NM_000445.5); c.9877G>A, p.Gly3293Ser (NM_201378.4); c.9853G>A, p.Gly3285Ser (NM_201379.3); c.10330G>A, p.Gly3444Ser (NM_201380.4); c.9823G>A, p.Gly3275Ser (NM_201381.3); c.9919G>A, p.Gly3307Ser (NM_201382.4); c.9931G>A, p.Gly3311Ser (NM_201383.3); c.10000G>A (NM_000445.3); short protein forms G3311S, G3285S, G3307S, G3293S, G3444S, G3275S, G3334S.
Identifiers: ClinVar variation 1525792 (VCV001525792.11), dbSNP rs782021653, ClinGen allele CA4924815.
Genomic context (GRCh38, chr8:143,919,902, plus strand): 5'-GGGCTCTGCTGAGGACCCCGGAAGCCAGGAGCTCGCTGGCTGGCACAGGGGCACGGAGGC[C>T]GCTGAAGGACAGCCTCTCCTGCCGCAGGGTCTCCACCTCCTCCACGATGGTAATGAGAAT-3'
Protein context (NP_958786.1, residues 3297-3317): TLRQERLSFS[Gly3307Ser]LRAPVPASEL